The following is an entry in ClinVar:

NM_001103.4(ACTN2):c.682A>C (p.Met228Leu)

Gene: ACTN2 (actinin alpha 2; plus strand). Cytogenetic location: 1q43.
Variant type: single nucleotide variant.
Coding change: c.682A>C on transcript NM_001103.4 (MANE Select); coding-DNA position 682, A replaced by C.
Protein change: p.Met228Leu; replaces methionine 228 with leucine.
Molecular consequence: missense variant. On other transcripts: non-coding transcript variant (1).
Genome position (GRCh38, 1-based): chr1:236,731,299, A>C. VCF-style: chr1-236731299-A-C. GRCh37 (hg19) VCF-style: chr1-236894599-A-C.
Other names: c.682A>C, p.Met228Leu (NM_001278343.2); short protein forms M228L.
Identifiers: ClinVar variation 4782558 (VCV004782558.1).

ClinVar aggregate classification (germline): Uncertain significance (1 of 4 stars; one submission).

Conditions:
Primary familial hypertrophic cardiomyopathy (HCM). Identifiers: Orphanet 99739, MedGen C0949658, MeSH D024741, MONDO:0024573. Inheritance: Various modes of inheritance.
Dilated cardiomyopathy 1AA (CMD1AA). Also called: CARDIOMYOPATHY, DILATED, 1AA, WITH OR WITHOUT LEFT VENTRICULAR NONCOMPACTION; CARDIOMYOPATHY, FAMILIAL HYPERTROPHIC, 23, WITH OR WITHOUT LEFT VENTRICULAR NONCOMPACTION; Cardiomyopathy, dilated, 1AA, with or without LVNC. Identifiers: Orphanet 154, MedGen C2677338, MONDO:0012808, OMIM 612158.

Submission:

Labcorp Genetics (formerly Invitae), Labcorp
Classification: Uncertain significance for Primary familial hypertrophic cardiomyopathy; Dilated cardiomyopathy 1AA. Last evaluated: 2025-08-18. Review status: criteria provided, single submitter. Criteria: Invitae Variant Classification Sherloc (09022015). Collection method: clinical testing. Allele origin: germline.
Comment: This sequence change replaces methionine, which is neutral and non-polar, with leucine, which is neutral and non-polar, at codon 228 of the ACTN2 protein (p.Met228Leu). This variant is not present in population databases (gnomAD no frequency). This variant has not been reported in the literature in individuals affected with ACTN2-related conditions. Invitae Evidence Modeling of protein sequence and biophysical properties (such as structural, functional, and spatial information, amino acid conservation, physicochemical variation, residue mobility, and thermodynamic stability) indicates that this missense variant is expected to disrupt ACTN2 protein function with a positive predictive value of 80%. This variant disrupts the p.Met228 amino acid residue in ACTN2. Other variant(s) that disrupt this residue have been determined to be pathogenic (PMID: 25173926, 37271035). This suggests that this residue is clinically significant, and that variants that disrupt this residue are likely to be disease-causing. In summary, the available evidence is currently insufficient to determine the role of this variant in disease. Therefore, it has been classified as a Variant of Uncertain Significance.

Literature cited by the submitters: PubMed 25173926; PubMed 37271035.